The following is an entry in ClinVar:

ClinVar aggregate classification (germline): Uncertain significance (1 of 4 stars; one submission).

Conditions:
Early-infantile DEE. Also called: Early infantile epileptic encephalopathy; Ohtahara syndrome; Early infantile epileptic encephalopathy with suppression bursts. Identifiers: Orphanet 1934, MedGen C0393706, MONDO:0800491.

Allele frequency attached by ClinVar (database versions not stated): gnomAD exomes below 0.00001.
gnomAD v4.1: 6 of 1,614,162 alleles (0.00037%); highest among the groups gnomAD compares: South Asian, 0.0011%; no homozygotes.

Submission:

Labcorp Genetics (formerly Invitae), Labcorp
Classification: Uncertain significance for Early-infantile DEE. Last evaluated: 2024-12-12. Review status: criteria provided, single submitter. Criteria: Invitae Variant Classification Sherloc (09022015). Collection method: clinical testing. Allele origin: germline.
Comment: This sequence change replaces valine, which is neutral and non-polar, with methionine, which is neutral and non-polar, at codon 861 of the SPTAN1 protein (p.Val861Met). This variant is present in population databases (no rsID available, gnomAD 0.003%). This variant has not been reported in the literature in individuals affected with SPTAN1-related conditions. ClinVar contains an entry for this variant (Variation ID: 2963941). Invitae Evidence Modeling of protein sequence and biophysical properties (such as structural, functional, and spatial information, amino acid conservation, physicochemical variation, residue mobility, and thermodynamic stability) has been performed for this missense variant. However, the output from this modeling did not meet the statistical confidence thresholds required to predict the impact of this variant on SPTAN1 protein function. In summary, the available evidence is currently insufficient to determine the role of this variant in disease. Therefore, it has been classified as a Variant of Uncertain Significance.

NM_001130438.3(SPTAN1):c.2581G>A (p.Val861Met)

Gene: SPTAN1 (spectrin alpha, non-erythrocytic 1; plus strand). Cytogenetic location: 9q34.11.
Variant type: single nucleotide variant.
Coding change: c.2581G>A on transcript NM_001130438.3 (MANE Select); coding-DNA position 2581, G replaced by A.
Protein change: p.Val861Met; replaces valine 861 with methionine.
Molecular consequence: missense variant.
Genome position (GRCh38, 1-based): chr9:128,585,768, G>A. VCF-style: chr9-128585768-G-A. GRCh37 (hg19) VCF-style: chr9-131348047-G-A.
Other names: c.2581G>A, p.Val861Met (NM_001195532.2, NM_001363759.2, NM_001363765.2 and 5 more transcripts); c.2617G>A, p.Val873Met (NM_001375312.2, NM_001375318.1); short protein forms V861M, V873M.
Identifiers: ClinVar variation 2963941 (VCV002963941.3), dbSNP rs1181333774, ClinGen allele CA375058084.